The following is an entry in ClinVar:

ClinVar aggregate classification (germline): Pathogenic (1 of 4 stars; one submission).

Allele frequency attached by ClinVar (database versions not stated): ExAC 0.00001; gnomAD exomes below 0.00001.

Submission:

Labcorp Genetics (formerly Invitae), Labcorp
Classification: Pathogenic. Last evaluated: 2021-08-02. Review status: criteria provided, single submitter. Criteria: Invitae Variant Classification Sherloc (09022015). Collection method: clinical testing. Allele origin: germline.
Comment: This sequence change creates a premature translational stop signal (p.Gln347*) in the USH1G gene. It is expected to result in an absent or disrupted protein product. Loss-of-function variants in USH1G are known to be pathogenic (PMID: 12588794, 22219650). This variant is present in population databases (rs776149260, ExAC 0.009%). This variant has not been reported in the literature in individuals affected with USH1G-related conditions. For these reasons, this variant has been classified as Pathogenic.

Literature cited by the submitters: PubMed 12588794; PubMed 22219650.

NM_173477.5(USH1G):c.1039C>T (p.Gln347Ter)

Gene: USH1G (USH1 protein network component sans; minus strand). Cytogenetic location: 17q25.1.
Variant type: single nucleotide variant.
Coding change: c.1039C>T on transcript NM_173477.5 (MANE Select); coding-DNA position 1039, C replaced by T.
Protein change: p.Gln347Ter; replaces glutamine 347 with a stop codon.
Molecular consequence: nonsense.
Genome position (GRCh38, 1-based): chr17:74,919,797, G>A on the plus strand (C>T on the coding strand, the complement: USH1G is on the minus strand). VCF-style: chr17-74919797-G-A. GRCh37 (hg19) VCF-style: chr17-72915892-G-A.
Other names: c.730C>T, p.Gln244Ter (NM_001282489.3); short protein forms Q347*, Q244*.
Identifiers: ClinVar variation 1367728 (VCV001367728.1), dbSNP rs776149260, ClinGen allele CA8753944.